The following is an entry in ClinVar:

ClinVar aggregate classification (germline): Likely benign. Review status: criteria provided, multiple submitters, no conflicts (2 of 4 stars). 4 submissions from 4 submitters: Likely benign (4). Last evaluated 2023-10-15.

Conditions:
Cardiovascular phenotype. Identifiers: MedGen CN230736.
Arrhythmogenic right ventricular dysplasia 8 (ARVD8). Also called: Arrhythmogenic Right Ventricular Dysplasia/Cardiomyopathy 8; ARRHYTHMOGENIC RIGHT VENTRICULAR DYSPLASIA, FAMILIAL, 8; ARRHYTHMOGENIC RIGHT VENTRICULAR CARDIOMYOPATHY 8. Identifiers: MedGen C1843896, MONDO:0011831, OMIM 607450.
Arrhythmogenic cardiomyopathy with wooly hair and keratoderma. Also called: PALMOPLANTAR KERATODERMA WITH LEFT VENTRICULAR CARDIOMYOPATHY AND WOOLLY HAIR; Carvajal syndrome; Dilated cardiomyopathy with woolly hair and keratoderma; Arrhythmogenic cardiomyopathy with woolly hair and keratoderma. Identifiers: Orphanet 65282, MedGen C1854063, MONDO:0011581, OMIM 605676.
Cardiomyopathy (CMYO). Also called: Cardiomyopathies. Identifiers: Orphanet 167848, MedGen C0878544, MONDO:0004994, HP:0001638. Inheritance: Various modes of inheritance.

Allele frequency attached by ClinVar (database versions not stated): gnomAD exomes below 0.00001; gnomAD 0.00001; TOPMed 0.00001.
gnomAD v4.1: 4 of 1,613,998 alleles (0.00025%); highest among the groups gnomAD compares: African/African-American, 0.0013%; no homozygotes.

Submissions (4):

Labcorp Genetics (formerly Invitae), Labcorp
Classification: Likely benign for Arrhythmogenic cardiomyopathy with wooly hair and keratoderma; Arrhythmogenic right ventricular dysplasia 8. Last evaluated: 2023-10-15. Review status: criteria provided, single submitter. Criteria: Invitae Variant Classification Sherloc (09022015). Collection method: clinical testing. Allele origin: germline.

All of Us Research Program, National Institutes of Health
Classification: Likely benign for Arrhythmogenic cardiomyopathy with wooly hair and keratoderma. Last evaluated: 2023-05-31. Review status: criteria provided, single submitter. Criteria: ACMG Guidelines, 2015. Collection method: clinical testing. Allele origin: germline. Inheritance: Autosomal dominant inheritance. Observed: 3 variant alleles, 3 heterozygotes.
Comment: This study involves interpretation of variants in research participants for the purpose of population health screening. Participant phenotype was not available at the time of variant classification. Additional details can be found in publication PMID: 35346344, PMCID: PMC8962531

Ambry Genetics
Classification: Likely benign for Cardiovascular phenotype. Last evaluated: 2022-06-06. Review status: criteria provided, single submitter. Criteria: Ambry Variant Classification Scheme 2023. Collection method: clinical testing. Allele origin: germline.

Color Diagnostics, LLC DBA Color Health
Classification: Likely benign for Cardiomyopathy. Last evaluated: 2018-11-25. Review status: criteria provided, single submitter. Criteria: ACMG Guidelines, 2015. Collection method: clinical testing. Allele origin: germline.

NM_004415.4(DSP):c.3141C>T (p.Ala1047=)

Gene: DSP (desmoplakin; plus strand). Cytogenetic location: 6p24.3.
Variant type: single nucleotide variant.
Coding change: c.3141C>T on transcript NM_004415.4 (MANE Select); coding-DNA position 3141, C replaced by T.
Protein change: p.Ala1047=; no amino-acid change (alanine 1047 retained).
Molecular consequence: synonymous variant.
Genome position (GRCh38, 1-based): chr6:7,579,331, C>T. VCF-style: chr6-7579331-C-T. GRCh37 (hg19) VCF-style: chr6-7579564-C-T.
Other names: c.3141C>T, p.Ala1047= (NM_001319034.2, NM_001008844.3).
Identifiers: ClinVar variation 924613 (VCV000924613.14), dbSNP rs1421186832, ClinGen allele CA448714138.